The following is an entry in ClinVar:

NM_017802.4(DNAAF5):c.1951G>C (p.Glu651Gln)

Gene: DNAAF5 (dynein axonemal assembly factor 5; plus strand). Cytogenetic location: 7p22.3.
Variant type: single nucleotide variant.
Coding change: c.1951G>C on transcript NM_017802.4 (MANE Select); coding-DNA position 1951, G replaced by C.
Protein change: p.Glu651Gln; replaces glutamic acid 651 with glutamine.
Molecular consequence: missense variant. On other transcripts: non-coding transcript variant (1).
Genome position (GRCh38, 1-based): chr7:774,067, G>C. VCF-style: chr7-774067-G-C. GRCh37 (hg19) VCF-style: chr7-813704-G-C.
Other names: short protein forms E651Q.
Identifiers: ClinVar variation 4241810 (VCV004241810.2).
Genomic context (GRCh38, chr7:774,067, plus strand): 5'-CTGTCCGGTCTCCTCATCCACCCTCTCCGTTCCGGTTCCAGGCAGTTTCCCAGCTACCTC[G>C]AGACGGTGACAAAGGACATCCTGGCCCCCAATCTGCAGTGGCATGCGGGGAGGACAGCCG-3'
Protein context (NP_060272.3, residues 641-661): NSQGQFPSYL[Glu651Gln]TVTKDILAPN

ClinVar aggregate classification (germline): Uncertain significance (1 of 4 stars; one submission).

Conditions:
Primary ciliary dyskinesia. Also called: Ciliary dyskinesia. Identifiers: Orphanet 244, MedGen C0008780, MONDO:0016575, HP:0012265.

gnomAD v4.1: 135 of 1,613,930 alleles (0.0084%); highest among the groups gnomAD compares: Non-Finnish European, 0.011%; no homozygotes.

Submission:

Ambry Genetics
Classification: Uncertain significance for Primary ciliary dyskinesia. Last evaluated: 2025-12-16. Review status: criteria provided, single submitter. Criteria: Ambry Variant Classification Scheme 2023. Collection method: clinical testing. Allele origin: germline.
Comment: The p.E651Q variant (also known as c.1951G>C), located in coding exon 10 of the DNAAF5 gene, results from a G to C substitution at nucleotide position 1951. The glutamic acid at codon 651 is replaced by glutamine, an amino acid with highly similar properties. This amino acid position is conserved. In addition, this alteration is predicted to be tolerated by in silico analysis. Based on the available evidence, the clinical significance of this variant remains unclear.